The following is an entry in ClinVar:

NM_005883.3(APC2):c.1785C>T (p.Ala595=)

Gene: APC2 (APC regulator of Wnt signaling pathway 2; plus strand). Cytogenetic location: 19p13.3.
Variant type: single nucleotide variant.
Coding change: c.1785C>T on transcript NM_005883.3 (MANE Select); coding-DNA position 1785, C replaced by T.
Protein change: p.Ala595=; no amino-acid change (alanine 595 retained).
Molecular consequence: synonymous variant.
Genome position (GRCh38, 1-based): chr19:1,462,109, C>T. VCF-style: chr19-1462109-C-T. GRCh37 (hg19) VCF-style: chr19-1462108-C-T.
Other names: c.1782C>T, p.Ala594= (NM_001351273.1); c.1785C>T (NM_005883.2).
Identifiers: ClinVar variation 2039455 (VCV002039455.6), dbSNP rs537258047, ClinGen allele CA9045278.

ClinVar aggregate classification (germline): Likely benign. Review status: criteria provided, single submitter (1 of 4 stars). 2 submissions from 2 submitters: Likely benign (1). 1 of the submissions does not count toward it. Last evaluated 2026-01-15.

Conditions:
APC2-related disorder. Also called: APC2-Related Disorders; APC2-related condition.

Allele frequency attached by ClinVar (database versions not stated): ExAC 0.00001; TOPMed 0.00003; gnomAD 0.00004; 1000 Genomes Project 30x 0.00016; 1000 Genomes Project 0.00020.
gnomAD v4.1: 22 of 1,612,896 alleles (0.0014%); highest among the groups gnomAD compares: Admixed American, 0.033%; no homozygotes.

Submissions (2):

Labcorp Genetics (formerly Invitae), Labcorp
Classification: Likely benign. Last evaluated: 2026-01-15. Review status: criteria provided, single submitter. Criteria: Invitae Variant Classification Sherloc (09022015). Collection method: clinical testing. Allele origin: germline.

PreventionGenetics, part of Exact Sciences
Classification: Likely benign for APC2-related condition. Last evaluated: 2022-12-21. Review status: no assertion criteria provided. Collection method: clinical testing. Allele origin: germline. Not counted in ClinVar's aggregate classification.
Comment: This variant is classified as likely benign based on ACMG/AMP sequence variant interpretation guidelines (Richards et al. 2015 PMID: 25741868, with internal and published modifications).